The following is an entry in ClinVar:

ClinVar aggregate classification (germline): Pathogenic. Review status: criteria provided, multiple submitters, no conflicts (2 of 4 stars). 9 submissions from 9 submitters: Pathogenic (7). 2 of the submissions do not count toward it. Last evaluated 2026-07-06.

Conditions:
CLN3-related disorder. Also called: CLN3-related condition. Identifiers: MedGen CN382248.
CLN3-related disorders.
Juvenile neuronal ceroid lipofuscinosis. Also called: Batten Disease. Identifiers: Orphanet 79264, MedGen CN293564, MONDO:0019262.
Neuronal ceroid lipofuscinosis. Also called: Neuronal Ceroid Lipofuscinoses. Identifiers: Orphanet 216, Orphanet 79263, MedGen C0027877, MONDO:0016295. Disease mechanism: loss of function.
Neuronal ceroid lipofuscinosis 3 (CLN3). Identifiers: Orphanet 228346, MedGen C0751383, MONDO:0008767, OMIM 204200.

Submissions (9):

PreventionGenetics, part of Exact Sciences
Classification: Pathogenic for CLN3-related condition. Last evaluated: 2026-07-06. Review status: criteria provided, single submitter. Criteria: ACMG Guidelines, 2015. Collection method: clinical testing. Allele origin: germline.
Comment: The CLN3 c.424delG variant is predicted to result in a frameshift and premature protein termination (p.Val142Leufs*39). This variant has been reported in the homozygous and compound heterozygous states in individuals with neuronal ceroid lipofuscinosis-3 (Munroe et al. 1997. PubMed ID: 9311735; Gheldof et al. 2018. PubMed ID: 30548430; Refeat et al. 2022. PubMed ID: 36435927; Adams et al. 2010. PubMed ID: 20187884; Kitzmüller et al. 2007. PubMed ID: 17947292; Kwon et al. 2011. PubMed ID: 22013180). This variant is present in 0.00088% of alleles in individuals of European (non-Finnish) descent in gnomAD, and is interpreted as pathogenic in the ClinVar database (Variation ID: 56269). Frameshift variants in CLN3 are an established mechanism of disease. This variant is interpreted as pathogenic.

Labcorp Genetics (formerly Invitae), Labcorp
Classification: Pathogenic for Neuronal ceroid lipofuscinosis. Last evaluated: 2025-12-16. Review status: criteria provided, single submitter. Criteria: Invitae Variant Classification Sherloc (09022015). Collection method: clinical testing. Allele origin: germline.
Comment: This sequence change creates a premature translational stop signal (p.Val142Leufs*39) in the CLN3 gene. It is expected to result in an absent or disrupted protein product. Loss-of-function variants in CLN3 are known to be pathogenic (PMID: 9311735, 28542676). This variant is present in population databases (rs386833720, gnomAD 0.0009%). This premature translational stop signal has been observed in individuals with juvenile-onset neuronal ceroid lipofuscinosis (JNCL) (PMID: 9311735, 17947292, 20187884). ClinVar contains an entry for this variant (Variation ID: 56269). For these reasons, this variant has been classified as Pathogenic.

Natera, Inc.
Classification: Pathogenic for Batten Disease. Last evaluated: 2025-12-09. Review status: criteria provided, single submitter. Criteria: Natera Variant Classification Schema (03/2026). Collection method: clinical testing. Allele origin: germline.
Comment: The c.424delG variant in CLN3 is a frameshift variant predicted to shift the reading frame beginning at codon 142 and leads to a stop codon 39 codons downstream. This variant is expected to result in nonsense mediated decay, truncation, or a dysfunctional protein product. This variant is rare in the general population with a frequency below the threshold expected for the associated phenotype(s). This variant has been observed in one or more individuals affected with the associated recessive disease, as either homozygous or compound heterozygous with a second variant (PMID: 22013180). Given the available evidence, this variant is classified as Pathogenic.

Blueprint Genetics
Classification: Pathogenic for CLN3-related disorders. Last evaluated: 2024-04-17. Review status: criteria provided, single submitter. Criteria: ACMG Guidelines, 2015. Collection method: clinical testing. Allele origin: germline. Affected: yes. Observed: 1 variant allele.

Baylor Genetics
Classification: Pathogenic for Neuronal ceroid lipofuscinosis 3. Last evaluated: 2023-01-12. Review status: criteria provided, single submitter. Criteria: ACMG Guidelines, 2015. Collection method: clinical testing. Allele origin: unknown.

Fulgent Genetics
Classification: Pathogenic for Neuronal ceroid lipofuscinosis 3. Last evaluated: 2021-08-18. Review status: criteria provided, single submitter. Criteria: ACMG Guidelines, 2015. Collection method: clinical testing. Allele origin: unknown.

Women's Health and Genetics/Laboratory Corporation of America, LabCorp
Classification: Pathogenic for Neuronal ceroid lipofuscinosis. Last evaluated: 2020-06-01. Review status: criteria provided, single submitter. Criteria: LabCorp Variant Classification Summary - May 2015. Collection method: clinical testing. Allele origin: germline.
Comment: Variant summary: CLN3 c.424delG (p.Val142LeufsX39) results in a premature termination codon, predicted to cause a truncation of the encoded protein or absence of the protein due to nonsense mediated decay, which are commonly known mechanisms for disease. Truncations downstream of this position have been classified as pathogenic by our laboratory. The variant allele was found at a frequency of 4e-06 in 251294 control chromosomes (gnomAD). c.424delG has been reported in the literature in the compound heterozygous or homozygous state in multiple individuals affected with Juvenile Neuronal Ceroid-Lipofuscinosis (Juvenile Batten Disease) (e.g. Kousi_2012, Munroe_1997). These data indicate that the variant is very likely to be associated with disease. Two ClinVar submitters (evaluation after 2014) cite the variant as pathogenic. Based on the evidence outlined above, the variant was classified as pathogenic.

Counsyl
Classification: Pathogenic for Neuronal ceroid lipofuscinosis 3. Last evaluated: 2015-11-20. Review status: no assertion criteria provided. Collection method: clinical testing. Allele origin: unknown. Not counted in ClinVar's aggregate classification.

Juha Muilu Group; Institute for Molecular Medicine Finland (FIMM)
Classification: Likely pathogenic for Juvenile neuronal ceroid lipofuscinosis. Review status: no assertion criteria provided. Collection method: not provided. Allele origin: unknown. Not counted in ClinVar's aggregate classification.
Comment: FinDis database variant: This variant was not found or characterized by our laboratory, data were collected from public sources: see reference
ClinVar note: Converted during submission from probable-pathogenic to Likely pathogenic.

Literature cited by the submitters: PubMed 9311735 (cited by 3 submitters); PubMed 28542676 (cited by Labcorp Genetics (formerly Invitae), Labcorp); PubMed 17947292 (cited by Labcorp Genetics (formerly Invitae), Labcorp); PubMed 20187884 (cited by Labcorp Genetics (formerly Invitae), Labcorp); PubMed 22013180 (cited by Natera, Inc.); PubMed 21990111 (cited by Women's Health and Genetics/Laboratory Corporation of America, LabCorp).

NM_001042432.2(CLN3):c.424del (p.Val142fs)

Gene: CLN3 (CLN3 lysosomal/endosomal transmembrane protein, battenin; minus strand). Cytogenetic location: 16p12.1.
Variant type: Deletion.
Coding change: c.424del on transcript NM_001042432.2 (MANE Select); coding-DNA position 424, one base deleted (G; older notation c.424delG).
Protein change: p.Val142fs; shifts the reading frame from valine 142.
Molecular consequence: frameshift variant.
Genome position (GRCh38, 1-based): chr16:28,487,492, C deleted on the plus strand (G on the coding strand, the reverse complement: CLN3 is on the minus strand); the first of 2 consecutive C bases (chr16:28,487,492-28,487,493); deleting either gives the same sequence. VCF-style (leftmost placement, unchanged base first): chr16-28487491-AC-A. GRCh37 (hg19) VCF-style: chr16-28498812-AC-A.
Other names: c.424del, p.Val142fs (NM_000086.2); c.352del, p.Val118fs (NM_001286104.2); c.124del, p.Val42fs (NM_001286105.2); c.190del, p.Val64fs (NM_001286109.2); c.262del, p.Val88fs (NM_001286110.2); c.424delG (NM_001042432.1, NM_000086.2); short protein forms V88fs, V118fs, V142fs, V42fs, V64fs.
Identifiers: ClinVar variation 56269 (VCV000056269.20), dbSNP rs386833720, ClinGen allele CA263672.